The following is an entry in ClinVar:

NM_015166.4(MLC1):c.1046G>A (p.Arg349His)

Gene: MLC1 (modulator of VRAC current 1; minus strand). Cytogenetic location: 22q13.33.
Variant type: single nucleotide variant.
Coding change: c.1046G>A on transcript NM_015166.4 (MANE Select); coding-DNA position 1046, G replaced by A.
Protein change: p.Arg349His; replaces arginine 349 with histidine.
Molecular consequence: missense variant. On other transcripts: non-coding transcript variant (3).
Genome position (GRCh38, 1-based): chr22:50,064,047, C>T on the plus strand (G>A on the coding strand, the complement: MLC1 is on the minus strand). VCF-style: chr22-50064047-C-T. GRCh37 (hg19) VCF-style: chr22-50502476-C-T.
Other names: c.1046G>A, p.Arg349His (NM_001376472.1, NM_001376473.1, NM_001376474.1 and 5 more transcripts); c.989G>A, p.Arg330His (NM_001376479.1); c.956G>A, p.Arg319His (NM_001376480.1); c.944G>A, p.Arg315His (NM_001376481.1); c.890G>A, p.Arg297His (NM_001376482.1, NM_001376483.1); c.809G>A, p.Arg270His (NM_001376484.1); c.1046G>A (NM_015166.3); short protein forms R319H, R330H, R270H, R315H, R297H, R349H.
Identifiers: ClinVar variation 2072093 (VCV002072093.4), dbSNP rs773991414, ClinGen allele CA10303257.

ClinVar aggregate classification (germline): Uncertain significance. Review status: criteria provided, multiple submitters, no conflicts (2 of 4 stars). 2 submissions from 2 submitters: Uncertain significance (2). Last evaluated 2024-01-30.

Conditions:
Inborn genetic diseases. Identifiers: MedGen C0950123, MeSH D030342.

Allele frequency attached by ClinVar (database versions not stated): gnomAD exomes 0.00001; TOPMed 0.00001; ExAC 0.00002; gnomAD 0.00002.
gnomAD v4.1: 14 of 1,585,352 alleles (0.00088%); highest among the groups gnomAD compares: South Asian, 0.011%; no homozygotes.

Submissions (2):

Ambry Genetics
Classification: Uncertain significance for Inborn genetic diseases. Last evaluated: 2024-01-30. Review status: criteria provided, single submitter. Criteria: Ambry Variant Classification Scheme 2023. Collection method: clinical testing. Allele origin: germline.

Labcorp Genetics (formerly Invitae), Labcorp
Classification: Uncertain significance. Last evaluated: 2023-12-11. Review status: criteria provided, single submitter. Criteria: Invitae Variant Classification Sherloc (09022015). Collection method: clinical testing. Allele origin: germline.
Comment: This sequence change replaces arginine, which is basic and polar, with histidine, which is basic and polar, at codon 349 of the MLC1 protein (p.Arg349His). The frequency data for this variant in the population databases is considered unreliable, as metrics indicate poor data quality at this position in the gnomAD database. This variant has not been reported in the literature in individuals affected with MLC1-related conditions. ClinVar contains an entry for this variant (Variation ID: 2072093). Advanced modeling of protein sequence and biophysical properties (such as structural, functional, and spatial information, amino acid conservation, physicochemical variation, residue mobility, and thermodynamic stability) performed at Invitae indicates that this missense variant is not expected to disrupt MLC1 protein function with a negative predictive value of 80%. In summary, the available evidence is currently insufficient to determine the role of this variant in disease. Therefore, it has been classified as a Variant of Uncertain Significance.